The following is an entry in ClinVar:

NM_003467.3(CXCR4):c.458A>C (p.Glu153Ala)

Gene: CXCR4 (C-X-C motif chemokine receptor 4; minus strand). Cytogenetic location: 2q22.1.
Variant type: single nucleotide variant.
Coding change: c.458A>C on transcript NM_003467.3 (MANE Select); coding-DNA position 458, A replaced by C.
Protein change: p.Glu153Ala; replaces glutamic acid 153 with alanine.
Molecular consequence: missense variant.
Genome position (GRCh38, 1-based): chr2:136,115,470, T>G on the plus strand (A>C on the coding strand, the complement: CXCR4 is on the minus strand). VCF-style: chr2-136115470-T-G. GRCh37 (hg19) VCF-style: chr2-136873040-T-G.
Other names: c.470A>C, p.Glu157Ala (NM_001008540.2); c.671A>C, p.Glu224Ala (NM_001348056.2); c.557A>C, p.Glu186Ala (NM_001348059.2); c.413A>C, p.Glu138Ala (NM_001348060.2); short protein forms E153A, E157A, E224A, E138A, E186A.
Identifiers: ClinVar variation 530952 (VCV000530952.2), dbSNP rs1553457905, ClinGen allele CA348658924.

ClinVar aggregate classification (germline): Uncertain significance (1 of 4 stars; one submission).

Conditions:
Warts, hypogammaglobulinemia, infections, and myelokathexis. Also called: WHIM syndrome. Identifiers: MedGen C0472817, MONDO:0023880.

Submission:

Labcorp Genetics (formerly Invitae), Labcorp
Classification: Uncertain significance for Warts, hypogammaglobulinemia, infections, and myelokathexis. Last evaluated: 2019-12-13. Review status: criteria provided, single submitter. Criteria: Invitae Variant Classification Sherloc (09022015). Collection method: clinical testing. Allele origin: germline.
Comment: This sequence change replaces glutamic acid with alanine at codon 153 of the CXCR4 protein (p.Glu153Ala). The glutamic acid residue is moderately conserved and there is a moderate physicochemical difference between glutamic acid and alanine. This variant is not present in population databases (ExAC no frequency). This variant has not been reported in the literature in individuals with CXCR4-related disease. ClinVar contains an entry for this variant (Variation ID: 530952). Algorithms developed to predict the effect of missense changes on protein structure and function do not agree on the potential impact of this missense change (SIFT: "Tolerated"; PolyPhen-2: "Probably Damaging"; Align-GVGD: "Class C0"). In summary, the available evidence is currently insufficient to determine the role of this variant in disease. Therefore, it has been classified as a Variant of Uncertain Significance.